The following is an entry in ClinVar:

NM_206933.4(USH2A):c.2250C>A (p.Asn750Lys)

Gene: USH2A (usherin; minus strand). Cytogenetic location: 1q41.
Variant type: single nucleotide variant.
Coding change: c.2250C>A on transcript NM_206933.4 (MANE Select); coding-DNA position 2250, C replaced by A.
Protein change: p.Asn750Lys; replaces asparagine 750 with lysine.
Molecular consequence: missense variant.
Genome position (GRCh38, 1-based): chr1:216,247,144, G>T on the plus strand (C>A on the coding strand, the complement: USH2A is on the minus strand). VCF-style: chr1-216247144-G-T. GRCh37 (hg19) VCF-style: chr1-216420486-G-T.
Other names: c.2250C>A, p.Asn750Lys (NM_007123.6); short protein forms N750K.
Identifiers: ClinVar variation 1377823 (VCV001377823.6), dbSNP rs2036067730, ClinGen allele CA344865412.

ClinVar aggregate classification (germline): Uncertain significance (1 of 4 stars; one submission).

Allele frequency attached by ClinVar (database versions not stated): gnomAD exomes below 0.00001; gnomAD 0.00001.
gnomAD v4.1: 3 of 1,613,908 alleles (0.00019%); highest among the groups gnomAD compares: African/African-American, 0.0013%; no homozygotes.

Submission:

Labcorp Genetics (formerly Invitae), Labcorp
Classification: Uncertain significance. Last evaluated: 2022-11-01. Review status: criteria provided, single submitter. Criteria: Invitae Variant Classification Sherloc (09022015). Collection method: clinical testing. Allele origin: germline.
Comment: This sequence change replaces asparagine, which is neutral and polar, with lysine, which is basic and polar, at codon 750 of the USH2A protein (p.Asn750Lys). In summary, the available evidence is currently insufficient to determine the role of this variant in disease. Therefore, it has been classified as a Variant of Uncertain Significance. Algorithms developed to predict the effect of missense changes on protein structure and function (SIFT, PolyPhen-2, Align-GVGD) all suggest that this variant is likely to be disruptive. ClinVar contains an entry for this variant (Variation ID: 1377823). This missense change has been observed in individual(s) with retinitis pigmentosa (Invitae). This variant is not present in population databases (gnomAD no frequency).